The following is an entry in ClinVar:

ClinVar aggregate classification (germline): Uncertain significance (1 of 4 stars; one submission).

Submission:

Labcorp Genetics (formerly Invitae), Labcorp
Classification: Uncertain significance. Last evaluated: 2022-02-08. Review status: criteria provided, single submitter. Criteria: Invitae Variant Classification Sherloc (09022015). Collection method: clinical testing. Allele origin: germline.
Comment: In summary, the available evidence is currently insufficient to determine the role of this variant in disease. Therefore, it has been classified as a Variant of Uncertain Significance. Algorithms developed to predict the effect of missense changes on protein structure and function (SIFT, PolyPhen-2, Align-GVGD) all suggest that this variant is likely to be tolerated. This variant has not been reported in the literature in individuals affected with RNF113A-related conditions. This variant is not present in population databases (gnomAD no frequency). This sequence change replaces glutamic acid, which is acidic and polar, with glutamine, which is neutral and polar, at codon 86 of the RNF113A protein (p.Glu86Gln).

NM_006978.3(RNF113A):c.256G>C (p.Glu86Gln)

Gene: RNF113A (ring finger protein 113A; minus strand). Cytogenetic location: Xq24.
Variant type: single nucleotide variant.
Coding change: c.256G>C on transcript NM_006978.3 (MANE Select); coding-DNA position 256, G replaced by C.
Protein change: p.Glu86Gln; replaces glutamic acid 86 with glutamine.
Molecular consequence: missense variant.
Genome position (GRCh38, 1-based): chrX:119,871,358, C>G on the plus strand (G>C on the coding strand, the complement: RNF113A is on the minus strand). VCF-style: chrX-119871358-C-G. GRCh37 (hg19) VCF-style: chrX-119005321-C-G.
Other names: short protein forms E86Q.
Identifiers: ClinVar variation 1480158 (VCV001480158.8), dbSNP rs2147812615, ClinGen allele CA414188727.
Genomic context (GRCh38, chrX:119,871,358, plus strand): 5'-CCGAACGGGTGGATTTATAAACCACGCCGAGACTCTCGGGCTCATTTTCCTCTTCCTCTT[C>G]GCTGCTCAAGTCGCCGTAAGCCGCCTTCTGTTTACCACTGTCACGGGTCTTCTGTATCAT-3'
Protein context (NP_008909.1, residues 76-96): QKAAYGDLSS[Glu86Gln]EEEENEPESL